The following is an entry in ClinVar:

ClinVar aggregate classification (germline): Uncertain significance (1 of 4 stars; one submission).

Conditions:
Hermansky-Pudlak syndrome 9 (HPS9). Identifiers: Orphanet 280663, Orphanet 79430, MedGen C3280026, MONDO:0013606, OMIM 614171.

Allele frequency attached by ClinVar (database versions not stated): TOPMed below 0.00001.

Submission:

Labcorp Genetics (formerly Invitae), Labcorp
Classification: Uncertain significance for Hermansky-Pudlak syndrome 9. Last evaluated: 2021-05-13. Review status: criteria provided, single submitter. Criteria: Invitae Variant Classification Sherloc (09022015). Collection method: clinical testing. Allele origin: germline.
Comment: In summary, the available evidence is currently insufficient to determine the role of this variant in disease. Therefore, it has been classified as a Variant of Uncertain Significance. Algorithms developed to predict the effect of missense changes on protein structure and function output the following: SIFT: "Tolerated"; PolyPhen-2: "Benign"; Align-GVGD: "Class C0". The arginine amino acid residue is found in multiple mammalian species, suggesting that this missense change does not adversely affect protein function. These predictions have not been confirmed by published functional studies and their clinical significance is uncertain. This variant has not been reported in the literature in individuals with BLOC1S6-related conditions. This variant is not present in population databases (ExAC no frequency). This sequence change replaces lysine with arginine at codon 145 of the BLOC1S6 protein (p.Lys145Arg). The lysine residue is moderately conserved and there is a small physicochemical difference between lysine and arginine.

NM_012388.4(BLOC1S6):c.434A>G (p.Lys145Arg)

Gene: BLOC1S6 (biogenesis of lysosomal organelles complex 1 subunit 6; plus strand). Cytogenetic location: 15q21.1.
Variant type: single nucleotide variant.
Coding change: c.434A>G on transcript NM_012388.4 (MANE Select); coding-DNA position 434, A replaced by G.
Protein change: p.Lys145Arg; replaces lysine 145 with arginine.
Molecular consequence: missense variant. On other transcripts: 3 prime UTR variant (1), non-coding transcript variant (10).
Genome position (GRCh38, 1-based): chr15:45,606,429, A>G. VCF-style: chr15-45606429-A-G. GRCh37 (hg19) VCF-style: chr15-45898627-A-G.
Other names: c.449A>G, p.Lys150Arg (NM_001311255.1); c.*85A>G (NM_001311256.1); short protein forms K150R, K145R.
Identifiers: ClinVar variation 1351444 (VCV001351444.8), dbSNP rs1894463182, ClinGen allele CA392300959.